The following is an entry in ClinVar:

NM_005378.6(MYCN):c.626dup (p.Ala210fs)

Gene: MYCN (MYCN proto-oncogene, bHLH transcription factor; plus strand). Cytogenetic location: 2p24.3.
Variant type: Duplication.
Coding change: c.626dup on transcript NM_005378.6 (MANE Select); coding-DNA position 626, one base duplicated (C; older notation c.626dupC).
Protein change: p.Ala210fs; shifts the reading frame from alanine 210.
Molecular consequence: frameshift variant. On other transcripts: 3 prime UTR variant (1), intron variant (1).
Genome position (GRCh38, 1-based): chr2:15,942,690, C duplicated; the last of 4 consecutive C bases (chr2:15,942,687-15,942,690); duplicating any one gives the same sequence. VCF-style (leftmost placement, unchanged base first): chr2-15942686-G-GC. GRCh37 (hg19) VCF-style: chr2-16082808-G-GC.
Other names: c.626dup (NM_005378.4); c.626dupC (NM_005378.5); c.626dup, p.Ala210fs (NM_001293228.2); c.*561dup (NM_001293233.2); c.157+1947dup (NM_001293231.2); short protein forms A210fs.
Identifiers: ClinVar variation 13897 (VCV000013897.3), dbSNP rs1558534266, ClinGen allele CA913190058.

ClinVar aggregate classification (germline): Pathogenic. Review status: criteria provided, single submitter (1 of 4 stars). 2 submissions from 2 submitters: Pathogenic (1). 1 of the submissions does not count toward it. Last evaluated 2022-11-16.

Conditions:
Feingold syndrome type 1 (FGLDS1). Also called: OCULODIGITOESOPHAGODUODENAL SYNDROME; ODED SYNDROME; MICROCEPHALY AND DIGITAL ABNORMALITIES WITH NORMAL INTELLIGENCE; MICROCEPHALY, MENTAL RETARDATION, AND TRACHEOESOPHAGEAL FISTULA SYNDROME; MICROCEPHALY-OCULO-DIGITO-ESOPHAGEAL-DUODENAL SYNDROME. Identifiers: Orphanet 1305, Orphanet 391641, MedGen C4551774, MONDO:0008115, OMIM 164280.

Submissions (2):

GeneDx
Classification: Pathogenic. Last evaluated: 2022-11-16. Review status: criteria provided, single submitter. Criteria: GeneDx Variant Classification Process June 2021. Collection method: clinical testing. Allele origin: germline. Affected: yes.
Comment: Frameshift variant predicted to result in protein truncation, as the last 255 amino acids are replaced with 55 different amino acids, and other loss-of-function variants have been reported downstream in HGMD; Not observed at significant frequency in large population cohorts (gnomAD); This variant is associated with the following publications: (PMID: 18671284)

OMIM
Classification: Pathogenic for FEINGOLD SYNDROME 1. Last evaluated: 2008-09-01. Review status: no assertion criteria provided. Collection method: literature only. Allele origin: germline. Not counted in ClinVar's aggregate classification.

Literature cited by the submitters: PubMed 18671284 (cited by OMIM).